The following is an entry in ClinVar:

ClinVar aggregate classification (germline): Likely pathogenic (1 of 4 stars; one submission).

Conditions:
Miyoshi muscular dystrophy 1 (MMD1). Identifiers: Orphanet 45448, MedGen C4551973, MONDO:0024545, OMIM 254130.
Autosomal recessive limb-girdle muscular dystrophy type 2B (LGMDR2). Also called: Limb-girdle muscular dystrophy, type 2B; Limb-Girdle Muscular Dystrophy Type 2B (LGMD2B); MUSCULAR DYSTROPHY, LIMB-GIRDLE, TYPE 3; MUSCULAR DYSTROPHY, LIMB-GIRDLE, AUTOSOMAL RECESSIVE 2. Identifiers: Orphanet 268, MedGen C1850889, MONDO:0009676, OMIM 253601.
Distal myopathy with anterior tibial onset. Identifiers: Orphanet 178400, MedGen C1847532, MONDO:0011721, OMIM 606768.

Submission:

Juno Genomics, Hangzhou Juno Genomics, Inc
Classification: Likely pathogenic for Miyoshi muscular dystrophy 1; Autosomal recessive limb-girdle muscular dystrophy type 2B; Distal myopathy with anterior tibial onset. Review status: criteria provided, single submitter. Criteria: ACMG Guidelines, 2015. Collection method: clinical testing. Allele origin: germline.
Comment: Null variant in a gene where loss of function (LOF) is a known mechanism of disease.;Absent from controls (or at extremely low frequency if recessive) in Genome Aggregation Database.

NM_001130987.2(DYSF):c.3575-21_3580del

Gene: DYSF (dysferlin; plus strand). Cytogenetic location: 2p13.2.
Variant type: Deletion.
Coding change: c.3575-21_3580del on transcript NM_001130987.2 (MANE Select); 21 bases into the intron before coding-DNA position 3575 through coding-DNA position 3580, 27 bases deleted (CCCCCTCTCCGGCCCATGCAGATCCCT).
Molecular consequence: splice acceptor variant.
Genome position (GRCh38, 1-based): chr2:71,598,543-71,598,569, CCCCCTCTCCGGCCCATGCAGATCCCT deleted; deleting any 27 consecutive bases within chr2:71,598,539-71,598,569 gives the same sequence; the c. name uses the placement nearest the transcript's 3' end. VCF-style (leftmost placement, unchanged base first): chr2-71598538-CCCCTCCCCCTCTCCGGCCCATGCAGAT-C. GRCh37 (hg19) VCF-style: chr2-71825668-CCCCTCCCCCTCTCCGGCCCATGCAGAT-C.
Other names: c.3614-21_3619del (NM_001130979.2); c.3572-21_3577del (NM_001130981.2, NM_001130980.2); c.3521-21_3526del (NM_001130978.2, NM_003494.4); c.3479-21_3484del (NM_001130977.2, NM_001130976.2); c.3617-21_3622del (NM_001130982.2); c.3575-21_3580del (NM_001130985.2); c.3524-21_3529del (NM_001130983.2, NM_001130455.2); c.3482-21_3487del (NM_001130984.2, NM_001130986.2).
Identifiers: ClinVar variation 5006326 (VCV005006326.2).